The following is an entry in ClinVar:

NM_004656.4(BAP1):c.437+7G>A

Gene: BAP1 (BRCA1 associated deubiquitinase 1; minus strand). Cytogenetic location: 3p21.1.
Variant type: single nucleotide variant.
Coding change: c.437+7G>A on transcript NM_004656.4 (MANE Select); 7 bases into the intron after coding-DNA position 437, G replaced by A.
Molecular consequence: intron variant.
Genome position (GRCh38, 1-based): chr3:52,407,392, C>T on the plus strand (G>A on the coding strand, the complement: BAP1 is on the minus strand). VCF-style: chr3-52407392-C-T. GRCh37 (hg19) VCF-style: chr3-52441408-C-T.
Identifiers: ClinVar variation 2155473 (VCV002155473.5), dbSNP rs764270036, ClinGen allele CA2437082.

ClinVar aggregate classification (germline): Likely benign. Review status: criteria provided, multiple submitters, no conflicts (2 of 4 stars). 2 submissions from 2 submitters: Likely benign (2). Last evaluated 2025-08-13.

Conditions:
BAP1-related tumor predisposition syndrome (TPDS1). Also called: BAP1 tumor predisposition syndrome; COMMON Syndrome; Tumor susceptibility linked to germline BAP1 mutations; TUMOR PREDISPOSITION SYNDROME 1. Identifiers: Orphanet 289539, MedGen C3280492, MONDO:0013692, OMIM 614327.

Allele frequency attached by ClinVar (database versions not stated): ExAC 0.00001; gnomAD exomes 0.00001.

Submissions (2):

Labcorp Genetics (formerly Invitae), Labcorp
Classification: Likely benign for BAP1-related tumor predisposition syndrome. Last evaluated: 2025-08-13. Review status: criteria provided, single submitter. Criteria: Invitae Variant Classification Sherloc (09022015). Collection method: clinical testing. Allele origin: germline.

Myriad Genetics, Inc.
Classification: Likely benign for BAP1-related tumor predisposition syndrome. Last evaluated: 2024-07-12. Review status: criteria provided, single submitter. Criteria: Myriad Autosomal Dominant, Autosomal Recessive and X-Linked Classification Criteria (2023). Collection method: clinical testing. Allele origin: unknown.
Comment: This variant is considered likely benign. This variant is intronic and is not expected to impact mRNA splicing.